The following is an entry in ClinVar:

ClinVar aggregate classification (germline): VUS-mid (1 of 4 stars; one submission).

Conditions:
Hereditary antithrombin deficiency (AT3D). Also called: Antithrombin III deficiency; Thrombophilia due to antithrombin III deficiency; Reduced antithrombin III activity; Antithrombin deficiency. Identifiers: Orphanet 82, MedGen C0272375, MONDO:0013144, OMIM 613118, HP:0001976.

Submission:

MVZ Dr. Eberhard & Partner Dortmund
Classification: VUS-mid for Hereditary antithrombin deficiency. Last evaluated: 2026-06-10. Review status: criteria provided, single submitter. Criteria: ClinGen Thrombosis Expert Panel Specifications To The ACMG AMP Variant Interpretation Guidelines For SERPINC1 Version 1.1.0. Collection method: clinical testing. Allele origin: unknown. Observed: 1 variant allele, 1 heterozygote.
Comment: This variant has not been reported in literature and is not present in locus specific mutation databases or population databases (gnomAD). In silico algorithms for analyzing missense variations (e.g. REVEL) revealed no clear evidence for or against an impairment of the protein's structure or function. Therefore, it has been classified as a variant with uncertain significance.

NM_000488.4(SERPINC1):c.928G>A (p.Asp310Asn)

Gene: SERPINC1 (serpin family C member 1; minus strand). Cytogenetic location: 1q25.1.
Variant type: single nucleotide variant.
Coding change: c.928G>A on transcript NM_000488.4 (MANE Select); coding-DNA position 928, G replaced by A.
Protein change: p.Asp310Asn; replaces aspartic acid 310 with asparagine.
Molecular consequence: missense variant.
Genome position (GRCh38, 1-based): chr1:173,909,777, C>T on the plus strand (G>A on the coding strand, the complement: SERPINC1 is on the minus strand). VCF-style: chr1-173909777-C-T. GRCh37 (hg19) VCF-style: chr1-173878915-C-T.
Other names: c.784G>A, p.Asp262Asn (NM_001365052.2); c.1051G>A, p.Asp351Asn (NM_001386302.1); c.1009G>A, p.Asp337Asn (NM_001386303.1); c.907G>A, p.Asp303Asn (NM_001386304.1); c.871G>A, p.Asp291Asn (NM_001386305.1); c.712G>A, p.Asp238Asn (NM_001386306.1); short protein forms D238N, D262N, D291N, D303N, D310N, D337N, D351N.
Identifiers: ClinVar variation 4879182 (VCV004879182.1).
Genomic context (GRCh38, chr1:173,909,777, plus strand): 5'-CCTTCTCTACCTTGGCCAGGCTCTTCTCAGGCTTGGGCAAGATGAGGACCATGGTGATGT[C>T]ATCACCTTTGAAGGGCAACTCAAGCACCTGGGTGCCTTCAGCCACGCGCCGATAACGGAA-3'
Protein context (NP_000479.1, residues 300-320): QVLELPFKGD[Asp310Asn]ITMVLILPKP